The following is an entry in ClinVar:

ClinVar aggregate classification (germline): Conflicting classifications of pathogenicity. Review status: criteria provided, conflicting classifications (1 of 4 stars). 3 submissions from 3 submitters: Uncertain significance (2); Likely benign (1). Last evaluated 2025-08-22.

Conditions:
Developmental and epileptic encephalopathy, 62. Also called: Early infantile epileptic encephalopathy 62. Identifiers: MedGen C4693699, MONDO:0033371, OMIM 617938.
Epilepsy, familial focal, with variable foci 4 (FFEVF4). Identifiers: MedGen C4693694, MONDO:0054776, OMIM 617935.

Allele frequency attached by ClinVar (database versions not stated): gnomAD exomes 0.00001 and 0.00004; ExAC 0.00003; TOPMed 0.00013; 1000 Genomes Project 30x 0.00016; 1000 Genomes Project 0.00020.
gnomAD v4.1: 28 of 1,614,112 alleles (0.0017%); highest among the groups gnomAD compares: Admixed American, 0.03%; no homozygotes.

Submissions (3):

Labcorp Genetics (formerly Invitae), Labcorp
Classification: Likely benign. Last evaluated: 2025-08-22. Review status: criteria provided, single submitter. Criteria: Invitae Variant Classification Sherloc (09022015). Collection method: clinical testing. Allele origin: germline.

Athena Diagnostics
Classification: Uncertain significance. Last evaluated: 2022-09-09. Review status: criteria provided, single submitter. Criteria: Athena Diagnostics Criteria. Collection method: clinical testing. Allele origin: unknown.

Center for Genomics, Ann and Robert H. Lurie Children's Hospital of Chicago
Classification: Uncertain significance for Epilepsy, familial focal, with variable foci 4; Developmental and epileptic encephalopathy, 62. Review status: criteria provided, single submitter. Criteria: ACMG Guidelines, 2015. Collection method: clinical testing. Allele origin: germline.
Comment: This variant has not been reported in the literature but is present in the Genome Aggregation Database (Highest reported MAF 0.05% (8/15272). This variant is present in ClinVar (Variation ID:859810). Evolutionary conservation and computational predictive tools for this variant are limited or unavailable. Of note, splice prediction tools suggest that this variant may affect splicing. However, further studies are needed to understand its impact. Of note, this variant is a silent variant and does not change the amino acid, reducing the probability that this variant is disease causing. In summary, data on this variant is insufficient for disease classification. Therefore, the clinical significance of this variant is uncertain.

NM_006922.4(SCN3A):c.4236A>G (p.Gln1412=)

Gene: SCN3A (sodium voltage-gated channel alpha subunit 3; minus strand). Cytogenetic location: 2q24.3.
Variant type: single nucleotide variant.
Coding change: c.4236A>G on transcript NM_006922.4 (MANE Select); coding-DNA position 4236, A replaced by G.
Protein change: p.Gln1412=; no amino-acid change (glutamine 1412 retained).
Molecular consequence: synonymous variant.
Genome position (GRCh38, 1-based): chr2:165,097,255, T>C on the plus strand (A>G on the coding strand, the complement: SCN3A is on the minus strand). VCF-style: chr2-165097255-T-C. GRCh37 (hg19) VCF-style: chr2-165953765-T-C.
Other names: c.4089A>G, p.Gln1363= (NM_001081676.2, NM_001081677.2).
Identifiers: ClinVar variation 859810 (VCV000859810.10), dbSNP rs551837418, ClinGen allele CA1938630.